The following is an entry in ClinVar:

ClinVar aggregate classification (germline): Benign (0 of 4 stars; one submission).

Conditions:
CBLB-related disorder. Also called: CBLB-related condition.

Allele frequency attached by ClinVar (database versions not stated): ExAC 0.00193; gnomAD 0.00557; 1000 Genomes Project 0.00579; TOPMed 0.00617; 1000 Genomes Project 30x 0.00765; ESP Exome Variant Server 0.00779.
gnomAD v4.1: 1,566 of 1,573,202 alleles (0.1%); highest among the groups gnomAD compares: African/African-American, 1.9%; 11 homozygotes.

Submission:

PreventionGenetics, part of Exact Sciences
Classification: Benign for CBLB-related condition. Last evaluated: 2019-05-01. Review status: no assertion criteria provided. Collection method: clinical testing. Allele origin: germline.
Comment: This variant is classified as benign based on ACMG/AMP sequence variant interpretation guidelines (Richards et al. 2015 PMID: 25741868, with internal and published modifications).

NM_170662.5(CBLB):c.1053C>T (p.Asp351=)

Gene: CBLB (Cbl proto-oncogene B; minus strand). Cytogenetic location: 3q13.11.
Variant type: single nucleotide variant.
Coding change: c.1053C>T on transcript NM_170662.5 (MANE Select); coding-DNA position 1053, C replaced by T.
Protein change: p.Asp351=; no amino-acid change (aspartic acid 351 retained).
Molecular consequence: synonymous variant. On other transcripts: 5 prime UTR variant (2), non-coding transcript variant (7).
Genome position (GRCh38, 1-based): chr3:105,737,189, G>A on the plus strand (C>T on the coding strand, the complement: CBLB is on the minus strand). VCF-style: chr3-105737189-G-A. GRCh37 (hg19) VCF-style: chr3-105456033-G-A.
Other names: c.1137C>T, p.Asp379= (NM_001321786.1, NM_001321789.1); c.1053C>T, p.Asp351= (NM_001321788.2, NM_001321791.2, NM_001321793.2 and 4 more transcripts); c.1119C>T, p.Asp373= (NM_001321790.2); c.906C>T, p.Asp302= (NM_001321796.2, NM_001321799.2); c.273C>T, p.Asp91= (NM_001321806.2, NM_001321807.2, NM_001321808.2 and 3 more transcripts); c.-300C>T (NM_001321820.2); c.-327C>T (NM_001321822.2).
Identifiers: ClinVar variation 3055619 (VCV003055619.2), dbSNP rs114003941, ClinGen allele CA2524877.